The following is an entry in ClinVar:

ClinVar aggregate classification (germline): Uncertain significance (1 of 4 stars; one submission).

Conditions:
Chédiak-Higashi syndrome (CHS). Also called: Chediak-Higashi Syndrome. Identifiers: Orphanet 167, MedGen C0007965, MONDO:0008963, OMIM 214500.

Allele frequency attached by ClinVar (database versions not stated): TOPMed below 0.00001.

Submission:

Labcorp Genetics (formerly Invitae), Labcorp
Classification: Uncertain significance for Chédiak-Higashi syndrome. Last evaluated: 2022-08-22. Review status: criteria provided, single submitter. Criteria: Invitae Variant Classification Sherloc (09022015). Collection method: clinical testing. Allele origin: germline.
Comment: This variant, c.1050_1058dup, results in the insertion of 3 amino acid(s) of the LYST protein (p.Lys351_Leu353dup), but otherwise preserves the integrity of the reading frame. This variant is not present in population databases (gnomAD no frequency). This variant has not been reported in the literature in individuals affected with LYST-related conditions. ClinVar contains an entry for this variant (Variation ID: 1481064). Experimental studies and prediction algorithms are not available or were not evaluated, and the functional significance of this variant is currently unknown. In summary, the available evidence is currently insufficient to determine the role of this variant in disease. Therefore, it has been classified as a Variant of Uncertain Significance.

NM_000081.4(LYST):c.1050_1058dup (p.Lys351_Leu353dup)

Gene: LYST (lysosomal trafficking regulator; minus strand). Cytogenetic location: 1q42.3.
Variant type: Duplication.
Coding change: c.1050_1058dup on transcript NM_000081.4 (MANE Select); coding-DNA positions 1050 to 1058, 9 bases duplicated (GAAAAATTT; older notation c.1050_1058dupGAAAAATTT).
Protein change: p.Lys351_Leu353dup.
Molecular consequence: inframe insertion.
Genome position (GRCh38, 1-based): chr1:235,809,760-235,809,768, AAATTTTTC duplicated on the plus strand (GAAAAATTT on the coding strand, the reverse complement: LYST is on the minus strand). VCF-style (leftmost placement, unchanged base first): chr1-235809759-T-TAAATTTTTC. GRCh37 (hg19) VCF-style: chr1-235973059-T-TAAATTTTTC.
Other names: c.1050_1058dup, p.Lys351_Leu353dup (NM_001301365.1).
Identifiers: ClinVar variation 1481064 (VCV001481064.3), dbSNP rs1321397253, ClinGen allele CA733145871.